The following is an entry in ClinVar:

ClinVar aggregate classification (germline): Likely pathogenic (1 of 4 stars; one submission).

Conditions:
Dilated cardiomyopathy 1G (CMD1G). Identifiers: Orphanet 154, MedGen C1858763, MONDO:0011400, OMIM 604145.
Autosomal recessive limb-girdle muscular dystrophy type 2J (LGMDR10). Also called: Limb-girdle muscular dystrophy, type 2J; MUSCULAR DYSTROPHY, LIMB-GIRDLE, AUTOSOMAL RECESSIVE 10. Identifiers: Orphanet 140922, MedGen C1837342, MONDO:0012127, OMIM 608807.

Submission:

Labcorp Genetics (formerly Invitae), Labcorp
Classification: Likely pathogenic for Dilated cardiomyopathy 1G; Autosomal recessive limb-girdle muscular dystrophy type 2J. Last evaluated: 2024-07-08. Review status: criteria provided, single submitter. Criteria: Invitae Variant Classification Sherloc (09022015). Collection method: clinical testing. Allele origin: germline.
Comment: This sequence change creates a premature translational stop signal (p.Trp23847*) in the TTN gene. While this is not anticipated to result in nonsense mediated decay, it is expected to create a truncated TTN protein. This variant is not present in population databases (gnomAD no frequency). This premature translational stop signal has been observed in individual(s) with clinical features of dilated cardiomyopathy (Invitae). This variant is located in the A band of TTN (PMID: 25589632). Truncating variants in this region are significantly overrepresented in patients affected with dilated cardiomyopathy (PMID: 25589632). Truncating variants in this region have also been reported in individuals affected with autosomal recessive centronuclear myopathy (PMID: 23975875). In summary, the currently available evidence indicates that the variant is pathogenic, but additional data are needed to prove that conclusively. Therefore, this variant has been classified as Likely Pathogenic.

Literature cited by the submitters: PubMed 25589632; PubMed 23975875.

NM_001267550.2(TTN):c.71540G>A (p.Trp23847Ter)

Genes: TTN (titin; minus strand), TTN-AS1 (TTN antisense RNA 1; plus strand). Cytogenetic location: 2q31.2.
Variant type: single nucleotide variant.
Coding change: c.71540G>A on transcript NM_001267550.2 (MANE Select); coding-DNA position 71540, G replaced by A.
Protein change: p.Trp23847Ter; replaces tryptophan 23847 with a stop codon.
Molecular consequence: nonsense.
Genome position (GRCh38, 1-based): chr2:178,574,592, C>T on the plus strand (G>A on the coding strand, the complement: TTN is on the minus strand). VCF-style: chr2-178574592-C-T. GRCh37 (hg19) VCF-style: chr2-179439319-C-T.
Other names: c.66617G>A, p.Trp22206Ter (NM_001256850.1); c.44345G>A, p.Trp14782Ter (NM_003319.4); c.63836G>A, p.Trp21279Ter (NM_133378.4); c.44720G>A, p.Trp14907Ter (NM_133432.3); c.44921G>A, p.Trp14974Ter (NM_133437.4); short protein forms W14782*, W14907*, W14974*, W21279*, W22206*, W23847*.
Identifiers: ClinVar variation 3757173 (VCV003757173.2).
Genomic context (GRCh38, chr2:178,574,592, plus strand): 5'-TCTTTTCTTTCAACATGATATCCTAAAATGGGGCTTCCACCATCAGAAAGTGGCTCATGC[C>T]AGCTAATTGTCATTGAATCCTTGGTAACTGCAGTTACCTGAGGGGTACCAGGAGGTCCAG-3'